The following is an entry in ClinVar:

ClinVar aggregate classification (germline): Uncertain significance. Review status: criteria provided, multiple submitters, no conflicts (2 of 4 stars). 2 submissions from 2 submitters: Uncertain significance (2). Last evaluated 2025-09-05.

Conditions:
Hereditary cancer-predisposing syndrome. Also called: Neoplastic Syndromes, Hereditary; Tumor predisposition; Hereditary Cancer Syndrome; Hereditary neoplastic syndrome. Identifiers: Orphanet 140162, MedGen C0027672, MeSH D009386, MONDO:0015356.

Submissions (2):

Quest Diagnostics Nichols Institute San Juan Capistrano
Classification: Uncertain significance. Last evaluated: 2025-09-05. Review status: criteria provided, single submitter. Criteria: Quest Diagnostics criteria. Collection method: clinical testing. Allele origin: unknown.
Comment: The MSH3 c.775T>G (p.Phe259Val) variant has not been reported in individuals with MSH3-related conditions in the published literature. This variant has not been reported in large, multi-ethnic general populations (Genome Aggregation Database). Analysis of this variant using bioinformatics tools for the prediction of the effect of amino acid changes on protein structure and function yielded predictions that this variant is damaging. Based on the available information, we are unable to determine the clinical significance of this variant.

Ambry Genetics
Classification: Uncertain significance for Hereditary cancer-predisposing syndrome. Last evaluated: 2025-06-13. Review status: criteria provided, single submitter. Criteria: Ambry Variant Classification Scheme 2023. Collection method: clinical testing. Allele origin: germline.
Comment: The p.F259V variant (also known as c.775T>G), located in coding exon 4 of the MSH3 gene, results from a T to G substitution at nucleotide position 775. The phenylalanine at codon 259 is replaced by valine, an amino acid with highly similar properties. This amino acid position is highly conserved in available vertebrate species. In addition, this alteration is predicted to be deleterious by in silico analysis. Since supporting evidence is limited at this time, the clinical significance of this alteration remains unclear.

NM_002439.5(MSH3):c.775T>G (p.Phe259Val)

Gene: MSH3 (mutS homolog 3; plus strand). Cytogenetic location: 5q14.1.
Variant type: single nucleotide variant.
Coding change: c.775T>G on transcript NM_002439.5 (MANE Select); coding-DNA position 775, T replaced by G.
Protein change: p.Phe259Val; replaces phenylalanine 259 with valine.
Molecular consequence: missense variant.
Genome position (GRCh38, 1-based): chr5:80,670,292, T>G. VCF-style: chr5-80670292-T-G. GRCh37 (hg19) VCF-style: chr5-79966111-T-G.
Other names: c.775T>G (NM_002439.4); short protein forms F259V.
Identifiers: ClinVar variation 1760497 (VCV001760497.4), dbSNP rs1749675919, ClinGen allele CA360267000.